The following is an entry in ClinVar:

ClinVar aggregate classification (germline): Uncertain significance. Review status: criteria provided, multiple submitters, no conflicts (2 of 4 stars). 3 submissions from 3 submitters: Uncertain significance (3). Last evaluated 2025-01-23.

Conditions:
Fanconi anemia complementation group P. Also called: SLX4-Related Fanconi Anemia. Identifiers: Orphanet 84, MedGen C3469542, MONDO:0013499, OMIM 613951.
Fanconi anemia (FA). Also called: Fanconi's anemia. Identifiers: Orphanet 84, MedGen C0015625, MeSH D005199, MONDO:0019391.

Allele frequency attached by ClinVar (database versions not stated): TOPMed below 0.00001; gnomAD 0.00001; gnomAD exomes 0.00001; ExAC 0.00002.
gnomAD v4.1: 11 of 1,613,282 alleles (0.00068%); highest among the groups gnomAD compares: Admixed American, 0.005%; no homozygotes.

Submissions (3):

Labcorp Genetics (formerly Invitae), Labcorp
Classification: Uncertain significance for Fanconi anemia. Last evaluated: 2025-01-23. Review status: criteria provided, single submitter. Criteria: Invitae Variant Classification Sherloc (09022015). Collection method: clinical testing. Allele origin: germline.
Comment: This sequence change replaces arginine, which is basic and polar, with histidine, which is basic and polar, at codon 1267 of the SLX4 protein (p.Arg1267His). This variant is present in population databases (rs775711964, gnomAD 0.006%). This variant has not been reported in the literature in individuals affected with SLX4-related conditions. ClinVar contains an entry for this variant (Variation ID: 1022740). An algorithm developed to predict the effect of missense changes on protein structure and function outputs the following: PolyPhen-2: "Benign". The histidine amino acid residue is found in multiple mammalian species, which suggests that this missense change does not adversely affect protein function. In summary, the available evidence is currently insufficient to determine the role of this variant in disease. Therefore, it has been classified as a Variant of Uncertain Significance.

Fulgent Genetics
Classification: Uncertain significance for Fanconi anemia complementation group P. Last evaluated: 2021-10-15. Review status: criteria provided, single submitter. Criteria: ACMG Guidelines, 2015. Collection method: clinical testing. Allele origin: unknown.

Blueprint Genetics
Classification: Uncertain significance. Last evaluated: 2019-10-10. Review status: criteria provided, single submitter. Criteria: ACMG Guidelines, 2015. Collection method: clinical testing. Allele origin: germline.

NM_032444.4(SLX4):c.3800G>A (p.Arg1267His)

Gene: SLX4 (SLX4 structure-specific endonuclease subunit; minus strand). Cytogenetic location: 16p13.3.
Variant type: single nucleotide variant.
Coding change: c.3800G>A on transcript NM_032444.4 (MANE Select); coding-DNA position 3800, G replaced by A.
Protein change: p.Arg1267His; replaces arginine 1267 with histidine.
Molecular consequence: missense variant.
Genome position (GRCh38, 1-based): chr16:3,589,838, C>T on the plus strand (G>A on the coding strand, the complement: SLX4 is on the minus strand). VCF-style: chr16-3589838-C-T. GRCh37 (hg19) VCF-style: chr16-3639839-C-T.
Other names: short protein forms R1267H.
Identifiers: ClinVar variation 1022740 (VCV001022740.9), dbSNP rs775711964, ClinGen allele CA7865830.